The following is an entry in ClinVar:

NM_021083.4(XK):c.880T>C (p.Cys294Arg)

Gene: XK (X-linked Kx blood group antigen, Kell and VPS13A binding protein; plus strand). Cytogenetic location: Xp21.1.
Variant type: single nucleotide variant.
Coding change: c.880T>C on transcript NM_021083.4 (MANE Select); coding-DNA position 880, T replaced by C.
Protein change: p.Cys294Arg; replaces cysteine 294 with arginine.
Molecular consequence: missense variant.
Genome position (GRCh38, 1-based): chrX:37,728,007, T>C. VCF-style: chrX-37728007-T-C. GRCh37 (hg19) VCF-style: chrX-37587260-T-C.
Other names: short protein forms C294R.
Identifiers: ClinVar variation 9768 (VCV000009768.4), dbSNP rs28933690, ClinGen allele CA254889.
Genomic context (GRCh38, chrX:37,728,007, plus strand): 5'-GTGGGCACCACCATTGTACTATGCTTTCTAACTTTACTCTATACTGGTATCAACATGTTC[T>C]GCTGGTCTGCTGTACAGCTGAAAATTGACAGCCCTGACCTCATCAGCAAGTCCCATAATT-3'
Protein context (NP_066569.1, residues 284-304): TLLYTGINMF[Cys294Arg]WSAVQLKIDS

ClinVar aggregate classification (germline): Pathogenic. Review status: no assertion criteria provided (0 of 4 stars). 2 submissions from 2 submitters: Pathogenic (1). 1 of the submissions does not count toward it. Last evaluated 2001-12-01.

Conditions:
XK-related neurodegenerative disease. Also called: McLeod neuroacanthocytosis syndrome; MCLEOD SYNDROME; X-linked McLeod syndrome; NEUROACANTHOCYTOSIS, MCLEOD TYPE; MCLEOD PHENOTYPE. Identifiers: Orphanet 59306, MedGen C0398568, MONDO:0018945, OMIM 300842. Disease mechanism: loss of function.

Submissions (2):

OMIM
Classification: Pathogenic for MCLEOD SYNDROME. Last evaluated: 2001-12-01. Review status: no assertion criteria provided. Collection method: literature only. Allele origin: germline.

GeneReviews
No classification provided. Condition: XK-related neurodegenerative disease. Review status: no classification provided. Collection method: literature only. Allele origin: germline. Not counted in ClinVar's aggregate classification.
Comment: This reported XK missense variant predicted to disrupt either structure or function

Literature cited by the submitters: PubMed 11761473 (cited by OMIM); PubMed 17133513 (cited by GeneReviews).